The following is an entry in ClinVar:

ClinVar aggregate classification (germline): Uncertain significance (1 of 4 stars; one submission).

Conditions:
Bethlem myopathy 1A. Also called: MYOPATHY, BENIGN CONGENITAL, WITH CONTRACTURES; Bethlem myopathy 1; Bethlem Muscular Dystrophy. Identifiers: Orphanet 610, MedGen CN029274, MONDO:0024530, OMIM 158810.

Submission:

Labcorp Genetics (formerly Invitae), Labcorp
Classification: Uncertain significance for Bethlem myopathy 1A. Last evaluated: 2021-05-30. Review status: criteria provided, single submitter. Criteria: Invitae Variant Classification Sherloc (09022015). Collection method: clinical testing. Allele origin: germline.
Comment: Advanced modeling of protein sequence and biophysical properties (such as structural, functional, and spatial information, amino acid conservation, physicochemical variation, residue mobility, and thermodynamic stability) performed at Invitae indicates that this missense variant is expected to disrupt COL6A1 protein function. In summary, the available evidence is currently insufficient to determine the role of this variant in disease. Therefore, it has been classified as a Variant of Uncertain Significance. This variant disrupts the triple helix domain of COL6A1. Glycine residues within the Gly-Xaa-Yaa repeats of the triple helix domain are required for the structure and stability of fibrillar collagens (PMID: 7695699, 8218237, 19344236). In COL6A1, variants at these glycine residues are significantly enriched in individuals with autosomal dominant disease (PMID: 15689448, 24038877) compared to the general population (ExAC). This variant has not been reported in the literature in individuals with COL6A1-related conditions. This variant is not present in population databases (ExAC no frequency). This sequence change replaces glycine with serine at codon 506 of the COL6A1 protein (p.Gly506Ser). The glycine residue is highly conserved and there is a small physicochemical difference between glycine and serine.

Literature cited by the submitters: PubMed 7695699; PubMed 8218237; PubMed 19344236; PubMed 15689448; PubMed 24038877.

NM_001848.3(COL6A1):c.1516G>A (p.Gly506Ser)

Gene: COL6A1 (collagen type VI alpha 1 chain; plus strand). Cytogenetic location: 21q22.3.
Variant type: single nucleotide variant.
Coding change: c.1516G>A on transcript NM_001848.3 (MANE Select); coding-DNA position 1516, G replaced by A.
Protein change: p.Gly506Ser; replaces glycine 506 with serine.
Molecular consequence: missense variant.
Genome position (GRCh38, 1-based): chr21:45,997,754, G>A. VCF-style: chr21-45997754-G-A. GRCh37 (hg19) VCF-style: chr21-47417668-G-A.
Other names: short protein forms G506S.
Identifiers: ClinVar variation 1509479 (VCV001509479.8), dbSNP rs2123482543, ClinGen allele CA410528900.